The following is an entry in ClinVar:

ClinVar aggregate classification (germline): Pathogenic/Likely pathogenic. Review status: criteria provided, multiple submitters, no conflicts (2 of 4 stars). 3 submissions from 3 submitters: Pathogenic (2); Likely pathogenic (1). Last evaluated 2024-05-23.

Conditions:
Autosomal dominant Alport syndrome (ATS3A). Also called: ALPORT SYNDROME 3A, AUTOSOMAL DOMINANT; Alport syndrome dominant type; Renal failure and sensorineural hearing loss. Identifiers: Orphanet 63, Orphanet 88918, MedGen C5882663, MONDO:0007086, OMIM 104200.
Benign familial hematuria. Also called: thin basement membrane disease. Identifiers: MedGen C0241908, MONDO:0957317.
Autosomal recessive Alport syndrome (ATS2). Also called: Alport syndrome type 2; ALPORT SYNDROME 2, AUTOSOMAL RECESSIVE; COL4A3-Related Nephropathy; COL4A4 Alport Syndrome and Thin Basement Membrane Nephropathy. Identifiers: Orphanet 63, Orphanet 88919, MedGen C4746745, MONDO:0008762, OMIM 203780.
Hematuria, benign familial, 1 (BFH1). Also called: THIN MEMBRANE NEPHROPATHY. Identifiers: MedGen CN376803, MONDO:0007709, OMIM 141200.

Submissions (3):

Fulgent Genetics
Classification: Pathogenic for Hematuria, benign familial, 1; Autosomal recessive Alport syndrome. Last evaluated: 2024-05-23. Review status: criteria provided, single submitter. Criteria: ACMG Guidelines, 2015. Collection method: clinical testing. Allele origin: germline.

Labcorp Genetics (formerly Invitae), Labcorp
Classification: Pathogenic. Last evaluated: 2023-06-20. Review status: criteria provided, single submitter. Criteria: Invitae Variant Classification Sherloc (09022015). Collection method: clinical testing. Allele origin: germline.
Comment: This sequence change creates a premature translational stop signal (p.Gly527Valfs*126) in the COL4A4 gene. It is expected to result in an absent or disrupted protein product. Loss-of-function variants in COL4A4 are known to be pathogenic (PMID: 21196518, 24854265, 25307543). This variant is not present in population databases (gnomAD no frequency). This premature translational stop signal has been observed in individuals with Alport syndrome (PMID: 19129241; Invitae). ClinVar contains an entry for this variant (Variation ID: 870358). For these reasons, this variant has been classified as Pathogenic.

Medical Genetics, University of Parma
Classification: Likely pathogenic for Autosomal dominant Alport syndrome; Hematuria, benign familial, 1. Last evaluated: 2020-03-11. Review status: criteria provided, single submitter. Criteria: ACMG Guidelines, 2015. Collection method: clinical testing. Allele origin: germline. Affected: yes.

Literature cited by the submitters: PubMed 21196518 (cited by Labcorp Genetics (formerly Invitae), Labcorp); PubMed 24854265 (cited by Labcorp Genetics (formerly Invitae), Labcorp); PubMed 25307543 (cited by Labcorp Genetics (formerly Invitae), Labcorp); PubMed 19129241 (cited by Labcorp Genetics (formerly Invitae), Labcorp).

NM_000092.5(COL4A4):c.1580del (p.Gly527fs)

Gene: COL4A4 (collagen type IV alpha 4 chain; minus strand). Cytogenetic location: 2q36.3.
Variant type: Deletion.
Coding change: c.1580del on transcript NM_000092.5 (MANE Select); coding-DNA position 1580, one base deleted (G; older notation c.1580delG).
Protein change: p.Gly527fs; shifts the reading frame from glycine 527.
Molecular consequence: frameshift variant.
Genome position (GRCh38, 1-based): chr2:227,088,696, C deleted on the plus strand (G on the coding strand, the reverse complement: COL4A4 is on the minus strand); the first of 2 consecutive C bases (chr2:227,088,696-227,088,697); deleting either gives the same sequence. VCF-style (leftmost placement, unchanged base first): chr2-227088695-AC-A. GRCh37 (hg19) VCF-style: chr2-227953411-AC-A.
Other names: c.1580del (NM_000092.4); short protein forms G527fs.
Identifiers: ClinVar variation 870358 (VCV000870358.11), dbSNP rs2059732983, ClinGen allele CA916080301.